The following is an entry in ClinVar:

ClinVar aggregate classification (germline): Uncertain significance (1 of 4 stars; one submission).

Submission:

Labcorp Genetics (formerly Invitae), Labcorp
Classification: Uncertain significance. Last evaluated: 2023-02-18. Review status: criteria provided, single submitter. Criteria: Invitae Variant Classification Sherloc (09022015). Collection method: clinical testing. Allele origin: germline.
Comment: This variant is not present in population databases (gnomAD no frequency). This sequence change replaces histidine, which is basic and polar, with arginine, which is basic and polar, at codon 312 of the DBR1 protein (p.His312Arg). In summary, the available evidence is currently insufficient to determine the role of this variant in disease. Therefore, it has been classified as a Variant of Uncertain Significance. An algorithm developed to predict the effect of missense changes on protein structure and function (PolyPhen-2) suggests that this variant is likely to be tolerated. This variant has not been reported in the literature in individuals affected with DBR1-related conditions.

NM_016216.4(DBR1):c.935A>G (p.His312Arg)

Gene: DBR1 (debranching RNA lariats 1; minus strand). Cytogenetic location: 3q22.3.
Variant type: single nucleotide variant.
Coding change: c.935A>G on transcript NM_016216.4 (MANE Select); coding-DNA position 935, A replaced by G.
Protein change: p.His312Arg; replaces histidine 312 with arginine.
Molecular consequence: missense variant.
Genome position (GRCh38, 1-based): chr3:138,163,355, T>C on the plus strand (A>G on the coding strand, the complement: DBR1 is on the minus strand). VCF-style: chr3-138163355-T-C. GRCh37 (hg19) VCF-style: chr3-137882197-T-C.
Other names: short protein forms H312R.
Identifiers: ClinVar variation 2777799 (VCV002777799.3), dbSNP rs2472961645, ClinGen allele CA354673056.
Genomic context (GRCh38, chr3:138,163,355, plus strand): 5'-ATAAAAATTATGCATGCAATGGAAAAAGCAGGTCCTAAATAAAGTCTGACTTACCTTGCA[T>C]GCAGGCCATTATTTTCTGGCATATTCCACAGGCGCCCAGTCACATTAATAAGATCATCCG-3'
Protein context (NP_057300.2, residues 302-322): LWNMPENNGL[His312Arg]ARWDYSATEE